The following is an entry in ClinVar:

NM_001903.5(CTNNA1):c.484T>C (p.Leu162=)

Gene: CTNNA1 (catenin alpha 1; plus strand). Cytogenetic location: 5q31.2.
Variant type: single nucleotide variant.
Coding change: c.484T>C on transcript NM_001903.5 (MANE Select); coding-DNA position 484, T replaced by C.
Protein change: p.Leu162=; no amino-acid change (leucine 162 retained).
Molecular consequence: synonymous variant.
Genome position (GRCh38, 1-based): chr5:138,812,198, T>C. VCF-style: chr5-138812198-T-C. GRCh37 (hg19) VCF-style: chr5-138147887-T-C.
Other names: c.484T>C, p.Leu162= (NM_001323984.2, NM_001323985.2, NM_001323986.2 and 3 more transcripts); c.175T>C, p.Leu59= (NM_001290309.3); c.115T>C, p.Leu39= (NM_001290310.3).
Identifiers: ClinVar variation 3773347 (VCV003773347.1).

ClinVar aggregate classification (germline): Benign (1 of 4 stars; one submission).

Conditions:
Hereditary diffuse gastric adenocarcinoma (HDGC). Also called: DIFFUSE GASTRIC AND LOBULAR BREAST CANCER SYNDROME. Identifiers: Orphanet 26106, MedGen C1708349, MONDO:0007648, OMIM 137215.

gnomAD v4.1: 1 of 1,613,752 alleles (0.000062%); highest among the groups gnomAD compares: Non-Finnish European, 0.000085%; no homozygotes.

Submission:

Myriad Genetics, Inc.
Classification: Benign for Hereditary diffuse gastric adenocarcinoma. Last evaluated: 2024-10-10. Review status: criteria provided, single submitter. Criteria: Myriad Autosomal Dominant, Autosomal Recessive and X-Linked Classification Criteria (2023). Collection method: clinical testing. Allele origin: unknown.
Comment: This variant is considered benign. This variant is a silent/synonymous amino acid change and it is not expected to impact splicing.